The following is an entry in ClinVar:

ClinVar aggregate classification (germline): Uncertain significance (1 of 4 stars; one submission).

Submission:

Ambry Genetics
Classification: Uncertain significance. Last evaluated: 2024-05-19. Review status: criteria provided, single submitter. Criteria: Ambry Variant Classification Scheme 2023. Collection method: clinical testing. Allele origin: germline.
Comment: The p.D252E variant (also known as c.756C>A), located in coding exon 5 of the IDH1 gene, results from a C to A substitution at nucleotide position 756. The aspartic acid at codon 252 is replaced by glutamic acid, an amino acid with highly similar properties. This amino acid position is conserved. In addition, this alteration is predicted to be deleterious by in silico analysis. Since supporting evidence is limited at this time, the clinical significance of this alteration remains unclear.

NM_005896.4(IDH1):c.756C>A (p.Asp252Glu)

Gene: IDH1 (isocitrate dehydrogenase (NADP(+)) 1; minus strand). Cytogenetic location: 2q34.
Variant type: single nucleotide variant.
Coding change: c.756C>A on transcript NM_005896.4 (MANE Select); coding-DNA position 756, C replaced by A.
Protein change: p.Asp252Glu; replaces aspartic acid 252 with glutamic acid.
Molecular consequence: missense variant.
Genome position (GRCh38, 1-based): chr2:208,242,088, G>T on the plus strand (C>A on the coding strand, the complement: IDH1 is on the minus strand). VCF-style: chr2-208242088-G-T. GRCh37 (hg19) VCF-style: chr2-209106812-G-T.
Other names: c.756C>A, p.Asp252Glu (NM_001282386.1, NM_001282387.1); short protein forms D252E.
Identifiers: ClinVar variation 1759558 (VCV001759558.3), dbSNP rs764654685, ClinGen allele CA350097801.
Genomic context (GRCh38, chr2:208,242,088, plus strand): 5'-ATAGTTTTTACAGGCCCAGATGAAGCCTCCCTCTGATTTCATAGCTTGGGCCACCATGTC[G>T]TCGATGAGCCTATGCTCATACCAGATCTTTTGAGCTTCAAACTGGGACTTGTACTGCCTG-3'
Protein context (NP_005887.2, residues 242-262): QKIWYEHRLI[Asp252Glu]DMVAQAMKSE